The following is an entry in ClinVar:

NM_001430.5(EPAS1):c.646G>C (p.Glu216Gln)

Genes: EPAS1 (endothelial PAS domain protein 1; plus strand), LOC126806210 (BRD4-independent group 4 enhancer GRCh37_chr2:46587586-46588785; plus strand). Cytogenetic location: 2p21.
Variant type: single nucleotide variant.
Coding change: c.646G>C on transcript NM_001430.5 (MANE Select); coding-DNA position 646, G replaced by C.
Protein change: p.Glu216Gln; replaces glutamic acid 216 with glutamine.
Molecular consequence: missense variant.
Genome position (GRCh38, 1-based): chr2:46,360,957, G>C. VCF-style: chr2-46360957-G-C. GRCh37 (hg19) VCF-style: chr2-46588096-G-C.
Other names: short protein forms E216Q.
Identifiers: ClinVar variation 1753706 (VCV001753706.2), dbSNP rs944566257, ClinGen allele CA346700014.
Genomic context (GRCh38, chr2:46,360,957, plus strand): 5'-ACGGGCCAGGTGAAAGTCTACAACAACTGCCCTCCTCACAATAGTCTGTGTGGCTACAAG[G>C]AGCCCCTGCTGTCCTGCCTCATCATCATGTGTGAACCAATCCAGCACCCATCCCACATGG-3'
Protein context (NP_001421.2, residues 206-226): PPHNSLCGYK[Glu216Gln]PLLSCLIIMC

ClinVar aggregate classification (germline): Uncertain significance (1 of 4 stars; one submission).

Conditions:
Inborn genetic diseases. Identifiers: MedGen C0950123, MeSH D030342.

Allele frequency attached by ClinVar (database versions not stated): TOPMed below 0.00001.
gnomAD v4.1: 15 of 1,614,160 alleles (0.00093%); highest among the groups gnomAD compares: Non-Finnish European, 0.0013%; no homozygotes.

Submission:

Ambry Genetics
Classification: Uncertain significance for Inborn genetic diseases. Last evaluated: 2022-07-04. Review status: criteria provided, single submitter. Criteria: Ambry Variant Classification Scheme 2023. Collection method: clinical testing. Allele origin: germline.
Comment: The p.E216Q variant (also known as c.646G>C), located in coding exon 6 of the EPAS1 gene, results from a G to C substitution at nucleotide position 646. The glutamic acid at codon 216 is replaced by glutamine, an amino acid with highly similar properties. This amino acid position is conserved. In addition, this alteration is predicted to be tolerated by in silico analysis. Since supporting evidence is limited at this time, the clinical significance of this alteration remains unclear.